The following is an entry in ClinVar:

NM_000443.4(ABCB4):c.2314C>A (p.Gln772Lys)

Gene: ABCB4 (ATP binding cassette subfamily B member 4; minus strand). Cytogenetic location: 7q21.12.
Variant type: single nucleotide variant.
Coding change: c.2314C>A on transcript NM_000443.4 (MANE Select); coding-DNA position 2314, C replaced by A.
Protein change: p.Gln772Lys; replaces glutamine 772 with lysine.
Molecular consequence: missense variant.
Genome position (GRCh38, 1-based): chr7:87,422,123, G>T on the plus strand (C>A on the coding strand, the complement: ABCB4 is on the minus strand). VCF-style: chr7-87422123-G-T. GRCh37 (hg19) VCF-style: chr7-87051439-G-T.
Other names: c.2314C>A, p.Gln772Lys (NM_018849.3, NM_018850.3); short protein forms Q772K.
Identifiers: ClinVar variation 4885011 (VCV004885011.2).

ClinVar aggregate classification (germline): Uncertain significance (1 of 4 stars; one submission).

Submission:

Dasa
Classification: Uncertain significance. Last evaluated: 2025-11-06. Review status: criteria provided, single submitter. Criteria: DASA Assertion Criteria. Collection method: clinical testing. Allele origin: germline.
Comment: NM_000443.4(ABCB4):c.2314C>A (p.Gln772Lys) is a missense variant that results in the substitution of glutamine with lysine. This variant is rare in population databases. Computational prediction algorithms are consistent with a deleterious effect. The currently available literature and clinical evidence are not sufficient to establish a definitive association between this variant and the reported condition. Therefore, this variant is classified as a variant of uncertain significance.